The following is an entry in ClinVar:

ClinVar aggregate classification (germline): Conflicting classifications of pathogenicity. Review status: criteria provided, conflicting classifications (1 of 4 stars). 3 submissions from 3 submitters: Uncertain significance (2); Likely benign (1). Last evaluated 2025-11-17.

Conditions:
Hereditary cancer-predisposing syndrome. Also called: Hereditary neoplastic syndrome; Hereditary Cancer Syndrome; Neoplastic Syndromes, Hereditary; Tumor predisposition. Identifiers: Orphanet 140162, MedGen C0027672, MeSH D009386, MONDO:0015356.
Hereditary nonpolyposis colorectal neoplasms. Identifiers: MedGen C0009405, MeSH D003123.
Endometrial carcinoma. Also called: Endometrial carcinoma, somatic. Identifiers: MedGen C0476089, MONDO:0002447, OMIM 608089, HP:0012114.

Allele frequency attached by ClinVar (database versions not stated): gnomAD exomes below 0.00001.
gnomAD v4.1: 1 of 1,606,338 alleles (0.000062%); no homozygotes.

Submissions (3):

Labcorp Genetics (formerly Invitae), Labcorp
Classification: Likely benign for Hereditary nonpolyposis colorectal neoplasms. Last evaluated: 2025-11-17. Review status: criteria provided, single submitter. Criteria: Invitae Variant Classification Sherloc (09022015). Collection method: clinical testing. Allele origin: germline.

Baylor Genetics
Classification: Uncertain significance for Endometrial carcinoma. Last evaluated: 2023-06-06. Review status: criteria provided, single submitter. Criteria: ACMG Guidelines, 2015. Collection method: clinical testing. Allele origin: unknown.

Ambry Genetics
Classification: Uncertain significance for Hereditary cancer-predisposing syndrome. Last evaluated: 2022-01-10. Review status: criteria provided, single submitter. Criteria: Ambry Variant Classification Scheme 2023. Collection method: clinical testing. Allele origin: germline.
Comment: The p.V1027I variant (also known as c.3079G>A), located in coding exon 4 of the MSH6 gene, results from a G to A substitution at nucleotide position 3079. The valine at codon 1027 is replaced by isoleucine, an amino acid with highly similar properties. This amino acid position is not well conserved in available vertebrate species. In addition, this alteration is predicted to be tolerated by in silico analysis. Since supporting evidence is limited at this time, the clinical significance of this alteration remains unclear.

NM_000179.3(MSH6):c.3079G>A (p.Val1027Ile)

Gene: MSH6 (mutS homolog 6; plus strand). Cytogenetic location: 2p16.3.
Variant type: single nucleotide variant.
Coding change: c.3079G>A on transcript NM_000179.3 (MANE Select); coding-DNA position 3079, G replaced by A.
Protein change: p.Val1027Ile; replaces valine 1027 with isoleucine.
Molecular consequence: missense variant.
Genome position (GRCh38, 1-based): chr2:47,801,062, G>A. VCF-style: chr2-47801062-G-A. GRCh37 (hg19) VCF-style: chr2-48028201-G-A.
Other names: c.2689G>A, p.Val897Ile (NM_001281492.2); c.2173G>A, p.Val725Ile (NM_001281493.2, NM_001281494.2); short protein forms V1027I, V725I, V897I.
Identifiers: ClinVar variation 237177 (VCV000237177.13), dbSNP rs876658397, ClinGen allele CA10582078.
Genomic context (GRCh38, chr2:47,801,062, plus strand): 5'-TGGACCAAAACTATTGAAAAGAAGTTGGCTAATCTCATAAATGCTGAAGAACGGAGGGAT[G>A]TATCATTGAAGGACTGCATGCGGCGACTGTTCTATAACTTTGATAAAAATTACAAGGACT-3'
Protein context (NP_000170.1, residues 1017-1037): NLINAEERRD[Val1027Ile]SLKDCMRRLF